The following is an entry in ClinVar:

NM_032043.3(BRIP1):c.461_462del (p.Phe154fs)

Gene: BRIP1 (BRCA1 interacting DNA helicase 1; minus strand). Cytogenetic location: 17q23.2.
Variant type: Deletion.
Coding change: c.461_462del on transcript NM_032043.3 (MANE Select); coding-DNA positions 461 to 462, 2 bases deleted (TT; older notation c.461_462delTT).
Protein change: p.Phe154fs; shifts the reading frame from phenylalanine 154.
Molecular consequence: frameshift variant.
Genome position (GRCh38, 1-based): chr17:61,849,174-61,849,175, AA deleted on the plus strand (TT on the coding strand, the reverse complement: BRIP1 is on the minus strand); deleting any 2 consecutive bases within chr17:61,849,174-61,849,177 gives the same sequence; the c. name uses the placement nearest the transcript's 3' end. VCF-style (leftmost placement, unchanged base first): chr17-61849173-GAA-G. GRCh37 (hg19) VCF-style: chr17-59926534-GAA-G.
Other names: short protein forms F154fs.
Identifiers: ClinVar variation 965304 (VCV000965304.9), dbSNP rs1567868477, ClinGen allele CA1139665806.

ClinVar aggregate classification (germline): Pathogenic. Review status: criteria provided, multiple submitters, no conflicts (2 of 4 stars). 2 submissions from 2 submitters: Pathogenic (2). Last evaluated 2024-04-09.

Conditions:
Fanconi anemia complementation group J. Also called: BRIP1-Related Fanconi Anemia. Identifiers: Orphanet 84, MedGen C1836860, MONDO:0012187, OMIM 609054.
Familial cancer of breast. Also called: BREAST CANCER, FAMILIAL; Hereditary breast cancer; hereditary breast carcinoma. Identifiers: Orphanet 227535, MedGen C0346153, MONDO:0016419, OMIM 114480. Disease mechanism: loss of function.

Submissions (2):

Myriad Genetics, Inc.
Classification: Pathogenic for Familial cancer of breast. Last evaluated: 2024-04-09. Review status: criteria provided, single submitter. Criteria: Myriad Autosomal Dominant, Autosomal Recessive and X-Linked Classification Criteria (2023). Collection method: clinical testing. Allele origin: unknown.
Comment: This variant is considered pathogenic. This variant creates a frameshift predicted to result in premature protein truncation.

Labcorp Genetics (formerly Invitae), Labcorp
Classification: Pathogenic for Familial cancer of breast; Fanconi anemia complementation group J. Last evaluated: 2019-11-11. Review status: criteria provided, single submitter. Criteria: Invitae Variant Classification Sherloc (09022015). Collection method: clinical testing. Allele origin: germline.
Comment: This sequence change creates a premature translational stop signal (p.Phe154Serfs*17) in the BRIP1 gene. It is expected to result in an absent or disrupted protein product. For these reasons, this variant has been classified as Pathogenic. Loss-of-function variants in BRIP1 are known to be pathogenic (PMID: 16116423, 17033622, 21964575). This variant has not been reported in the literature in individuals with BRIP1-related conditions. This variant is not present in population databases (ExAC no frequency).

Literature cited by the submitters: PubMed 16116423 (cited by Labcorp Genetics (formerly Invitae), Labcorp); PubMed 17033622 (cited by Labcorp Genetics (formerly Invitae), Labcorp); PubMed 21964575 (cited by Labcorp Genetics (formerly Invitae), Labcorp).